The following is an entry in ClinVar:

NM_130837.3(OPA1):c.1373T>C (p.Ile458Thr)

Gene: OPA1 (OPA1 mitochondrial dynamin like GTPase; plus strand). Cytogenetic location: 3q29.
Variant type: single nucleotide variant.
Coding change: c.1373T>C on transcript NM_130837.3 (MANE Select); coding-DNA position 1373, T replaced by C.
Protein change: p.Ile458Thr; replaces isoleucine 458 with threonine.
Molecular consequence: missense variant.
Genome position (GRCh38, 1-based): chr3:193,643,440, T>C. VCF-style: chr3-193643440-T-C. GRCh37 (hg19) VCF-style: chr3-193361229-T-C.
Other names: c.839T>C, p.Ile280Thr (NM_001354663.2); c.836T>C, p.Ile279Thr (NM_001354664.2); c.1208T>C, p.Ile403Thr (NM_015560.3); c.1100T>C, p.Ile367Thr (NM_130831.3); c.1154T>C, p.Ile385Thr (NM_130832.3); c.1211T>C, p.Ile404Thr (NM_130833.3); c.1262T>C, p.Ile421Thr (NM_130834.3); c.1265T>C, p.Ile422Thr (NM_130835.3); and 1 more; short protein forms I403T, I458T, I385T, I440T, I279T, I404T, I280T, I367T.
Identifiers: ClinVar variation 214907 (VCV000214907.3), dbSNP rs863224135, ClinGen allele CA322841.

ClinVar aggregate classification (germline): Likely pathogenic (1 of 4 stars; one submission).

Submission:

GeneDx
Classification: Likely pathogenic. Last evaluated: 2023-02-28. Review status: criteria provided, single submitter. Criteria: GeneDx Variant Classification Process June 2021. Collection method: clinical testing. Allele origin: germline. Affected: yes.
Comment: Identified in multiple unrelated patients with optic atrophy referred for genetic testing at GeneDx and in published literature (Thavapalan et al., 2015); In silico analysis supports that this missense variant has a deleterious effect on protein structure/function; Not observed at significant frequency in large population cohorts (gnomAD); This variant is associated with the following publications: (PMID: Travapalan2015[Supplement], 11440988)